The following is an entry in ClinVar:

ClinVar aggregate classification (germline): Conflicting classifications of pathogenicity. Review status: criteria provided, conflicting classifications (1 of 4 stars). 2 submissions from 2 submitters: Uncertain significance (1); Likely benign (1). Last evaluated 2025-01-21.

Conditions:
Cardiovascular phenotype. Identifiers: MedGen CN230736.

Submissions (2):

Labcorp Genetics (formerly Invitae), Labcorp
Classification: Uncertain significance. Last evaluated: 2025-01-21. Review status: criteria provided, single submitter. Criteria: Invitae Variant Classification Sherloc (09022015). Collection method: clinical testing. Allele origin: germline.
Comment: This sequence change replaces serine, which is neutral and polar, with glycine, which is neutral and non-polar, at codon 225 of the APOA1 protein (p.Ser225Gly). This variant is present in population databases (rs777929592, gnomAD 0.02%). This variant has not been reported in the literature in individuals affected with APOA1-related conditions. Invitae Evidence Modeling of protein sequence and biophysical properties (such as structural, functional, and spatial information, amino acid conservation, physicochemical variation, residue mobility, and thermodynamic stability) has been performed for this missense variant. However, the output from this modeling did not meet the statistical confidence thresholds required to predict the impact of this variant on APOA1 protein function. In summary, the available evidence is currently insufficient to determine the role of this variant in disease. Therefore, it has been classified as a Variant of Uncertain Significance.

Ambry Genetics
Classification: Likely benign for Cardiovascular phenotype. Last evaluated: 2024-09-25. Review status: criteria provided, single submitter. Criteria: Ambry Variant Classification Scheme 2023. Collection method: clinical testing. Allele origin: germline.

NM_000039.3(APOA1):c.673A>G (p.Ser225Gly)

Gene: APOA1 (apolipoprotein A1; minus strand). Cytogenetic location: 11q23.3.
Variant type: single nucleotide variant.
Coding change: c.673A>G on transcript NM_000039.3 (MANE Select); coding-DNA position 673, A replaced by G.
Protein change: p.Ser225Gly; replaces serine 225 with glycine.
Molecular consequence: missense variant.
Genome position (GRCh38, 1-based): chr11:116,835,939, T>C on the plus strand (A>G on the coding strand, the complement: APOA1 is on the minus strand). VCF-style: chr11-116835939-T-C. GRCh37 (hg19) VCF-style: chr11-116706655-T-C.
Other names: c.673A>G, p.Ser225Gly (NM_001318017.2, NM_001318018.2, NM_001425090.1); c.346A>G, p.Ser116Gly (NM_001318021.2, NM_001425091.1, NM_001425092.1); c.628A>G, p.Ser210Gly (NM_001425093.1); short protein forms S210G, S225G, S116G.
Identifiers: ClinVar variation 3414129 (VCV003414129.3).
Genomic context (GRCh38, chr11:116,835,939, plus strand): 5'-CGGGCAGCAGGCCTTGGCGGAGGTCCTCGAGCGCGGGCTTGGCCTTCTCGCTGAGCGTGC[T>C]CAGATGCTCGGTGGCCTTGGCGTGGTACTCGGCCAGTCTGGCGCCGCCGTTCTCCTTGAG-3'
Protein context (NP_000030.1, residues 215-235): EYHAKATEHL[Ser225Gly]TLSEKAKPAL